The following is an entry in ClinVar:

NM_001009944.3(PKD1):c.12203_12204del (p.Gly4068fs)

Gene: PKD1 (polycystin 1, transient receptor potential channel interacting; minus strand). Cytogenetic location: 16p13.3.
Variant type: Deletion.
Coding change: c.12203_12204del on transcript NM_001009944.3 (MANE Select); coding-DNA positions 12203 to 12204, 2 bases deleted (GG; older notation c.12203_12204delGG).
Protein change: p.Gly4068fs; shifts the reading frame from glycine 4068.
Molecular consequence: frameshift variant.
Genome position (GRCh38, 1-based): chr16:2,090,525-2,090,526, CC deleted on the plus strand (GG on the coding strand, the reverse complement: PKD1 is on the minus strand); deleting any 2 consecutive bases within chr16:2,090,525-2,090,527 gives the same sequence; the c. name uses the placement nearest the transcript's 3' end. VCF-style (leftmost placement, unchanged base first): chr16-2090524-TCC-T. GRCh37 (hg19) VCF-style: chr16-2140525-TCC-T.
Other names: c.12200_12201del, p.Gly4067fs (NM_000296.4); c.12203_12204delGG (NM_001009944.2); short protein forms G4067fs, G4068fs.
Identifiers: ClinVar variation 4992970 (VCV004992970.1).

ClinVar aggregate classification (germline): Likely pathogenic (1 of 4 stars; one submission).

Conditions:
PKD1-related disorder. Also called: PKD1-related condition.

Submission:

PreventionGenetics, part of Exact Sciences
Classification: Likely pathogenic for PKD1-related condition. Last evaluated: 2025-10-12. Review status: criteria provided, single submitter. Criteria: ACMG Guidelines, 2015. Collection method: clinical testing. Allele origin: germline.
Comment: The PKD1 c.12203_12204delGG variant is predicted to result in a frameshift and premature protein termination (p.Gly4068Aspfs*88). To our knowledge, this variant has not been reported in the literature or in a large population database (gnomAD), indicating this variant is rare. Frameshift variants in PKD1 are expected to be pathogenic. This variant is interpreted as likely pathogenic.